The following is an entry in ClinVar:

ClinVar aggregate classification (germline): Uncertain significance (1 of 4 stars; one submission).

Conditions:
Early Myoclonic Encephalopathy. Identifiers: MedGen C0270855.

Submission:

Labcorp Genetics (formerly Invitae), Labcorp
Classification: Uncertain significance for Early Myoclonic Encephalopathy. Last evaluated: 2024-01-16. Review status: criteria provided, single submitter. Criteria: Invitae Variant Classification Sherloc (09022015). Collection method: clinical testing. Allele origin: germline.
Comment: This sequence change replaces glycine, which is neutral and non-polar, with arginine, which is basic and polar, at codon 130 of the KCND2 protein (p.Gly130Arg). This variant is not present in population databases (gnomAD no frequency). This variant has not been reported in the literature in individuals affected with KCND2-related conditions. Advanced modeling of protein sequence and biophysical properties (such as structural, functional, and spatial information, amino acid conservation, physicochemical variation, residue mobility, and thermodynamic stability) performed at Invitae indicates that this missense variant is not expected to disrupt KCND2 protein function with a negative predictive value of 80%. In summary, the available evidence is currently insufficient to determine the role of this variant in disease. Therefore, it has been classified as a Variant of Uncertain Significance.

NM_012281.3(KCND2):c.388G>C (p.Gly130Arg)

Gene: KCND2 (potassium voltage-gated channel subfamily D member 2; plus strand). Cytogenetic location: 7q31.31.
Variant type: single nucleotide variant.
Coding change: c.388G>C on transcript NM_012281.3 (MANE Select); coding-DNA position 388, G replaced by C.
Protein change: p.Gly130Arg; replaces glycine 130 with arginine.
Molecular consequence: missense variant.
Genome position (GRCh38, 1-based): chr7:120,275,020, G>C. VCF-style: chr7-120275020-G-C. GRCh37 (hg19) VCF-style: chr7-119915074-G-C.
Other names: short protein forms G130R.
Identifiers: ClinVar variation 2807248 (VCV002807248.3), dbSNP rs1233359609, ClinGen allele CA369131489.